The following is an entry in ClinVar:

NM_198253.3(TERT):c.979G>C (p.Glu327Gln)

Gene: TERT (telomerase reverse transcriptase; minus strand). Cytogenetic location: 5p15.33.
Variant type: single nucleotide variant.
Coding change: c.979G>C on transcript NM_198253.3 (MANE Select); coding-DNA position 979, G replaced by C.
Protein change: p.Glu327Gln; replaces glutamic acid 327 with glutamine.
Molecular consequence: missense variant. On other transcripts: non-coding transcript variant (2).
Genome position (GRCh38, 1-based): chr5:1,293,907, C>G on the plus strand (G>C on the coding strand, the complement: TERT is on the minus strand). VCF-style: chr5-1293907-C-G. GRCh37 (hg19) VCF-style: chr5-1294022-C-G.
Other names: c.979G>C, p.Glu327Gln (NM_001193376.3); short protein forms E327Q.
Identifiers: ClinVar variation 940394 (VCV000940394.12), dbSNP rs371457181, ClinGen allele CA3184882.

ClinVar aggregate classification (germline): Uncertain significance. Review status: criteria provided, multiple submitters, no conflicts (2 of 4 stars). 4 submissions from 4 submitters: Uncertain significance (3). 1 of the submissions does not count toward it. Last evaluated 2025-08-07.

Conditions:
Dyskeratosis congenita. Identifiers: Orphanet 1775, MedGen C0265965, MONDO:0015780.
Dyskeratosis congenita, autosomal dominant 2. Identifiers: MedGen C3151443, MONDO:0013521, OMIM 613989.
Idiopathic Pulmonary Fibrosis. Also called: Idiopathic fibrosing alveolitis, chronic form; idiopathic fibrosing alveolitis. Identifiers: Orphanet 2032, MedGen C1800706, MeSH D054990, MONDO:0800504.
TERT-related disorder. Also called: TERT-related disorders; TERT-related condition.

Allele frequency attached by ClinVar (database versions not stated): TOPMed 0.00003; gnomAD 0.00001; ExAC 0.00005; gnomAD exomes 0.00001; ESP Exome Variant Server 0.00008.
gnomAD v4.1: 3 of 1,541,718 alleles (0.00019%); highest among the groups gnomAD compares: African/African-American, 0.0041%; no homozygotes.

Submissions (4):

Labcorp Genetics (formerly Invitae), Labcorp
Classification: Uncertain significance for Dyskeratosis congenita, autosomal dominant 2; Idiopathic Pulmonary Fibrosis. Last evaluated: 2025-08-07. Review status: criteria provided, single submitter. Criteria: Invitae Variant Classification Sherloc (09022015). Collection method: clinical testing. Allele origin: germline.
Comment: This sequence change replaces glutamic acid, which is acidic and polar, with glutamine, which is neutral and polar, at codon 327 of the TERT protein (p.Glu327Gln). The frequency data for this variant in the population databases is considered unreliable, as metrics indicate poor data quality at this position in the gnomAD database. This variant has not been reported in the literature in individuals affected with TERT-related conditions. ClinVar contains an entry for this variant (Variation ID: 940394). Invitae Evidence Modeling of protein sequence and biophysical properties (such as structural, functional, and spatial information, amino acid conservation, physicochemical variation, residue mobility, and thermodynamic stability) indicates that this missense variant is expected to disrupt TERT protein function with a positive predictive value of 95%. In summary, the available evidence is currently insufficient to determine the role of this variant in disease. Therefore, it has been classified as a Variant of Uncertain Significance.

Baylor Genetics
Classification: Uncertain significance for Dyskeratosis congenita, autosomal dominant 2. Last evaluated: 2023-08-04. Review status: criteria provided, single submitter. Criteria: ACMG Guidelines, 2015. Collection method: clinical testing. Allele origin: unknown.

Ambry Genetics
Classification: Uncertain significance for Dyskeratosis congenita. Last evaluated: 2022-02-23. Review status: criteria provided, single submitter. Criteria: Ambry Variant Classification Scheme 2023. Collection method: clinical testing. Allele origin: germline.
Comment: The p.E327Q variant (also known as c.979G>C), located in coding exon 2 of the TERT gene, results from a G to C substitution at nucleotide position 979. The glutamic acid at codon 327 is replaced by glutamine, an amino acid with highly similar properties. This amino acid position is conserved. In addition, the in silico prediction for this alteration is inconclusive. Since supporting evidence is limited at this time, the clinical significance of this alteration remains unclear.

PreventionGenetics, part of Exact Sciences
Classification: Uncertain significance for TERT-related condition. Last evaluated: 2023-12-14. Review status: no assertion criteria provided. Collection method: clinical testing. Allele origin: germline. Not counted in ClinVar's aggregate classification.
Comment: The TERT c.979G>C variant is predicted to result in the amino acid substitution p.Glu327Gln. To our knowledge, this variant has not been reported in the literature. This variant is reported in 0.012% of alleles in individuals of African descent in gnomAD. At this time, the clinical significance of this variant is uncertain due to the absence of conclusive functional and genetic evidence.